The following is an entry in ClinVar:

ClinVar aggregate classification (germline): Uncertain significance (1 of 4 stars; one submission).

Submission:

Labcorp Genetics (formerly Invitae), Labcorp
Classification: Uncertain significance. Last evaluated: 2021-04-23. Review status: criteria provided, single submitter. Criteria: Invitae Variant Classification Sherloc (09022015). Collection method: clinical testing. Allele origin: germline.
Comment: This variant has not been reported in the literature in individuals with TUBGCP6-related conditions. Experimental studies and prediction algorithms are not available or were not evaluated, and the functional significance of this variant is currently unknown. In summary, the available evidence is currently insufficient to determine the role of this variant in disease. Therefore, it has been classified as a Variant of Uncertain Significance. This variant is not present in population databases (ExAC no frequency). This sequence change creates a premature translational stop signal (p.Tyr1783*) in the TUBGCP6 gene. While this is not anticipated to result in nonsense mediated decay, it is expected to disrupt the last 37 amino acid(s) of the TUBGCP6 protein.

NM_020461.4(TUBGCP6):c.5349C>A (p.Tyr1783Ter)

Gene: TUBGCP6 (tubulin gamma complex component 6; minus strand). Cytogenetic location: 22q13.33.
Variant type: single nucleotide variant.
Coding change: c.5349C>A on transcript NM_020461.4 (MANE Select); coding-DNA position 5349, C replaced by A.
Protein change: p.Tyr1783Ter; replaces tyrosine 1783 with a stop codon.
Molecular consequence: nonsense.
Genome position (GRCh38, 1-based): chr22:50,217,937, G>T on the plus strand (C>A on the coding strand, the complement: TUBGCP6 is on the minus strand). VCF-style: chr22-50217937-G-T. GRCh37 (hg19) VCF-style: chr22-50656366-G-T.
Other names: short protein forms Y1783*.
Identifiers: ClinVar variation 1481072 (VCV001481072.6), dbSNP rs1602501062, ClinGen allele CA412162034.